The following is an entry in ClinVar:

NM_001170629.2(CHD8):c.6329C>T (p.Ser2110Phe)

Gene: CHD8 (chromodomain helicase DNA binding protein 8; minus strand). Cytogenetic location: 14q11.2.
Variant type: single nucleotide variant.
Coding change: c.6329C>T on transcript NM_001170629.2 (MANE Select); coding-DNA position 6329, C replaced by T.
Protein change: p.Ser2110Phe; replaces serine 2110 with phenylalanine.
Molecular consequence: missense variant.
Genome position (GRCh38, 1-based): chr14:21,393,245, G>A on the plus strand (C>T on the coding strand, the complement: CHD8 is on the minus strand). VCF-style: chr14-21393245-G-A. GRCh37 (hg19) VCF-style: chr14-21861404-G-A.
Other names: c.5492C>T, p.Ser1831Phe (NM_020920.4); short protein forms S1831F, S2110F.
Identifiers: ClinVar variation 4868912 (VCV004868912.1).

ClinVar aggregate classification (germline): Uncertain significance (1 of 4 stars; one submission).

Conditions:
Inborn genetic diseases. Identifiers: MedGen C0950123, MeSH D030342.

gnomAD v4.1: 19 of 1,613,976 alleles (0.0012%); highest among the groups gnomAD compares: Non-Finnish European, 0.0016%; no homozygotes.

Submission:

Ambry Genetics
Classification: Uncertain significance for Inborn genetic diseases. Last evaluated: 2026-04-27. Review status: criteria provided, single submitter. Criteria: Ambry Variant Classification Scheme 2023. Collection method: clinical testing. Allele origin: germline.
Comment: The c.6329C>T (p.S2110F) alteration is located in exon 32 (coding exon 32) of the CHD8 gene. This alteration results from a C to T substitution at nucleotide position 6329, causing the serine (S) at amino acid position 2110 to be replaced by a phenylalanine (F). Based on data from gnomAD, the T allele has an overall frequency of 0.001% (2/249194) total alleles studied. The highest observed frequency was 0.002% (2/112984) of European (non-Finnish) alleles. Based on insufficient or conflicting evidence, the clinical significance of this alteration remains unclear.